The following is an entry in ClinVar:

NM_001356.5(DDX3X):c.1462del (p.Arg488fs)

Gene: DDX3X (DEAD-box helicase 3 X-linked; plus strand). Cytogenetic location: Xp11.4.
Variant type: Deletion.
Coding change: c.1462del on transcript NM_001356.5 (MANE Select); coding-DNA position 1462, one base deleted (C; older notation c.1462delC).
Protein change: p.Arg488fs; shifts the reading frame from arginine 488.
Molecular consequence: frameshift variant. On other transcripts: non-coding transcript variant (1).
Genome position (GRCh38, 1-based): chrX:41,346,375, C deleted; the last of 2 consecutive C bases (chrX:41,346,374-41,346,375); deleting either gives the same sequence. VCF-style (leftmost placement, unchanged base first): chrX-41346373-TC-T. GRCh37 (hg19) VCF-style: chrX-41205626-TC-T.
Other names: c.1462del, p.Arg488fs (NM_001193416.3); c.1414del, p.Arg472fs (NM_001193417.3); c.904del, p.Arg302fs (NM_001363819.1); short protein forms R472fs, R488fs, R302fs.
Identifiers: ClinVar variation 280825 (VCV000280825.2), dbSNP rs886041963, ClinGen allele CA10603590.

ClinVar aggregate classification (germline): Pathogenic (1 of 4 stars; one submission).

Submission:

GeneDx
Classification: Pathogenic. Last evaluated: 2016-08-29. Review status: criteria provided, single submitter. Criteria: GeneDx Variant Classification (06012015). Collection method: clinical testing. Allele origin: germline. Affected: yes.
Comment: The de novo c.1462delC variant in the DDX3X gene has not been reported previously as a pathogenic variant nor as a benign variant, to our knowledge. The c.1462delC variant causes a frameshift starting with codon Arginine 488, changes this amino acid to an Alanine residue, and creates a premature Stop codon at position 8 of the new reading frame, denoted p.Arg488AlafsX8. This variant is predicted to cause loss of normal protein function either through protein truncation or nonsense-mediated mRNA decay. The c.1462delC variant was not observed in approximately 6,500 individuals of European and African American ancestry in the NHLBI Exome Sequencing Project, indicating it is not a common benign variant in these populations. We interpret c.1462delC as a pathogenic variant.